The following is an entry in ClinVar:

NM_002427.4(MMP13):c.*160G>A

Gene: MMP13 (matrix metallopeptidase 13; minus strand). Cytogenetic location: 11q22.2.
Variant type: single nucleotide variant.
Coding change: c.*160G>A on transcript NM_002427.4 (MANE Select); 160 bases downstream of the stop codon, G replaced by A.
Molecular consequence: 3 prime UTR variant.
Genome position (GRCh38, 1-based): chr11:102,944,106, C>T on the plus strand (G>A on the coding strand, the complement: MMP13 is on the minus strand). VCF-style: chr11-102944106-C-T. GRCh37 (hg19) VCF-style: chr11-102814835-C-T.
Identifiers: ClinVar variation 301973 (VCV000301973.5), dbSNP rs17860583, ClinGen allele CA6251635.

ClinVar aggregate classification (germline): Conflicting classifications of pathogenicity. Review status: criteria provided, conflicting classifications (1 of 4 stars). 2 submissions from 1 submitter: Uncertain significance (1); Benign (1). Last evaluated 2018-01-13.

Conditions:
Spondyloepimetaphyseal dysplasia, Missouri type. Identifiers: Orphanet 1040, Orphanet 93356, MedGen C1865832, MONDO:0011198, OMIM 602111.
Metaphyseal anadysplasia. Also called: Early-onset regressive form of metaphyseal dysplasia. Identifiers: Orphanet 1040, MedGen C0432226, MONDO:0015177.

Allele frequency attached by ClinVar (database versions not stated): 1000 Genomes Project below 0.00001; gnomAD 0.00098 and 0.00100; gnomAD exomes 0.00106 and 0.00081; TOPMed 0.00088; ExAC 0.00130.
gnomAD v4.1: 695 of 664,206 alleles (0.1%); highest among the groups gnomAD compares: Middle Eastern, 0.2%; 2 homozygotes.

Submissions (2):

Illumina Laboratory Services, Illumina
Classification: Benign for Metaphyseal anadysplasia. Last evaluated: 2018-01-13. Review status: criteria provided, single submitter. Criteria: ICSL Variant Classification Criteria 13 December 2019. Collection method: clinical testing. Allele origin: germline.
Comment: This variant was observed in the ICSL laboratory as part of a predisposition screen in an ostensibly healthy population. It had not been previously curated by ICSL or reported in the Human Gene Mutation Database (HGMD: prior to June 1st, 2018), and was therefore a candidate for classification through an automated scoring system. Utilizing variant allele frequency, disease prevalence and penetrance estimates, and inheritance mode, an automated score was calculated to assess if this variant is too frequent to cause the disease. Based on the score and internal cut-off values, a variant classified as benign is not then subjected to further curation. The score for this variant resulted in a classification of benign for this disease.

Illumina Laboratory Services, Illumina
Classification: Uncertain significance for Spondyloepimetaphyseal dysplasia, Missouri type. Last evaluated: 2018-01-13. Review status: criteria provided, single submitter. Criteria: ICSL Variant Classification Criteria 13 December 2019. Collection method: clinical testing. Allele origin: germline.